The following is an entry in ClinVar:

ClinVar aggregate classification (germline): Uncertain significance. Review status: criteria provided, multiple submitters, no conflicts (2 of 4 stars). 2 submissions from 2 submitters: Uncertain significance (2). Last evaluated 2025-03-31.

Conditions:
Inborn genetic diseases. Identifiers: MedGen C0950123, MeSH D030342.

Allele frequency attached by ClinVar (database versions not stated): gnomAD exomes 0.00002; ExAC 0.00004; ESP Exome Variant Server 0.00008; TOPMed 0.00018.
gnomAD v4.1: 55 of 1,602,486 alleles (0.0034%); highest among the groups gnomAD compares: African/African-American, 0.067%; no homozygotes.

Submissions (2):

Labcorp Genetics (formerly Invitae), Labcorp
Classification: Uncertain significance. Last evaluated: 2025-03-31. Review status: criteria provided, single submitter. Criteria: Invitae Variant Classification Sherloc (09022015). Collection method: clinical testing. Allele origin: germline.
Comment: This sequence change replaces threonine, which is neutral and polar, with arginine, which is basic and polar, at codon 86 of the UMOD protein (p.Thr86Arg). This variant is present in population databases (rs376787639, gnomAD 0.06%), and has an allele count higher than expected for a pathogenic variant. This variant has not been reported in the literature in individuals affected with UMOD-related conditions. ClinVar contains an entry for this variant (Variation ID: 2190918). Invitae Evidence Modeling of protein sequence and biophysical properties (such as structural, functional, and spatial information, amino acid conservation, physicochemical variation, residue mobility, and thermodynamic stability) has been performed for this missense variant. However, the output from this modeling did not meet the statistical confidence thresholds required to predict the impact of this variant on UMOD protein function. In summary, the available evidence is currently insufficient to determine the role of this variant in disease. Therefore, it has been classified as a Variant of Uncertain Significance.

Ambry Genetics
Classification: Uncertain significance for Inborn genetic diseases. Last evaluated: 2021-10-06. Review status: criteria provided, single submitter. Criteria: Ambry Variant Classification Scheme 2023. Collection method: clinical testing. Allele origin: germline.

NM_003361.4(UMOD):c.257C>G (p.Thr86Arg)

Gene: UMOD (uromodulin; minus strand). Cytogenetic location: 16p12.3.
Variant type: single nucleotide variant.
Coding change: c.257C>G on transcript NM_003361.4 (MANE Select); coding-DNA position 257, C replaced by G.
Protein change: p.Thr86Arg; replaces threonine 86 with arginine.
Molecular consequence: missense variant. On other transcripts: non-coding transcript variant (1).
Genome position (GRCh38, 1-based): chr16:20,349,044, G>C on the plus strand (C>G on the coding strand, the complement: UMOD is on the minus strand). VCF-style: chr16-20349044-G-C. GRCh37 (hg19) VCF-style: chr16-20360366-G-C.
Other names: c.257C>G, p.Thr86Arg (NM_001008389.3, NM_001378232.1, NM_001378233.1 and 3 more transcripts); c.356C>G, p.Thr119Arg (NM_001278614.2); c.257C>G (NM_003361.2); short protein forms T86R, T119R.
Identifiers: ClinVar variation 2190918 (VCV002190918.5), dbSNP rs376787639, ClinGen allele CA7939472.
Genomic context (GRCh38, chr16:20,349,044, plus strand): 5'-CAGCCGAGACCGGGCGACAGGCGGAAGCCTTCGGGGCAGACGCAGGAGAAGGAGCCTGGC[G>C]TGTTTACGCAGCTGCTGTTGGCGGAGCAGTTGTGAGCTCCAGGAATGGCGCACTCATCCA-3'
Protein context (NP_003352.2, residues 76-96): NCSANSSCVN[Thr86Arg]PGSFSCVCPE